The following is an entry in ClinVar:

ClinVar aggregate classification (germline): Uncertain significance. Review status: criteria provided, single submitter (1 of 4 stars). 2 submissions from 2 submitters: Uncertain significance (1). 1 of the submissions does not count toward it. Last evaluated 2020-11-20.

Conditions:
CCBE1-related disorder. Also called: CCBE1-related condition.

gnomAD v4.1: 5 of 1,613,146 alleles (0.00031%); highest among the groups gnomAD compares: Admixed American, 0.0017%; no homozygotes.

Submissions (2):

Labcorp Genetics (formerly Invitae), Labcorp
Classification: Uncertain significance. Last evaluated: 2020-11-20. Review status: criteria provided, single submitter. Criteria: Invitae Variant Classification Sherloc (09022015). Collection method: clinical testing. Allele origin: germline.
Comment: This sequence change falls in intron 6 of the CCBE1 gene. It does not directly change the encoded amino acid sequence of the CCBE1 protein. It affects a nucleotide within the consensus splice site of the intron. This variant is not present in population databases (ExAC no frequency). This variant has not been reported in the literature in individuals with CCBE1-related conditions. Nucleotide substitutions within the consensus splice site are a relatively common cause of aberrant splicing (PMID: 17576681, 9536098). Algorithms developed to predict the effect of sequence changes on RNA splicing suggest that this variant is not likely to affect RNA splicing, but this prediction has not been confirmed by published transcriptional studies. In summary, the available evidence is currently insufficient to determine the role of this variant in disease. Therefore, it has been classified as a Variant of Uncertain Significance.

PreventionGenetics, part of Exact Sciences
Classification: Likely benign for CCBE1-related condition. Last evaluated: 2023-01-10. Review status: no assertion criteria provided. Collection method: clinical testing. Allele origin: germline. Not counted in ClinVar's aggregate classification.
Comment: This variant is classified as likely benign based on ACMG/AMP sequence variant interpretation guidelines (Richards et al. 2015 PMID: 25741868, with internal and published modifications).

Literature cited by the submitters: PubMed 17576681 (cited by Labcorp Genetics (formerly Invitae), Labcorp); PubMed 9536098 (cited by Labcorp Genetics (formerly Invitae), Labcorp).

NM_133459.4(CCBE1):c.654+4C>G

Gene: CCBE1 (collagen and calcium binding EGF domains 1; minus strand). Cytogenetic location: 18q21.32.
Variant type: single nucleotide variant.
Coding change: c.654+4C>G on transcript NM_133459.4 (MANE Select); 4 bases into the intron after coding-DNA position 654, C replaced by G.
Molecular consequence: intron variant.
Genome position (GRCh38, 1-based): chr18:59,454,847, G>C on the plus strand (C>G on the coding strand, the complement: CCBE1 is on the minus strand). VCF-style: chr18-59454847-G-C. GRCh37 (hg19) VCF-style: chr18-57122079-G-C.
Other names: c.654+4C>G (NM_133459.3).
Identifiers: ClinVar variation 1424638 (VCV001424638.7), dbSNP rs770958531, ClinGen allele CA630096274.